The following is an entry in ClinVar:

NM_032043.3(BRIP1):c.168_171del (p.Leu56fs)

Gene: BRIP1 (BRCA1 interacting DNA helicase 1; minus strand). Cytogenetic location: 17q23.2.
Variant type: Deletion.
Coding change: c.168_171del on transcript NM_032043.3 (MANE Select); coding-DNA positions 168 to 171, 4 bases deleted (ACTT; older notation c.168_171delACTT).
Protein change: p.Leu56fs; shifts the reading frame from leucine 56.
Molecular consequence: frameshift variant.
Genome position (GRCh38, 1-based): chr17:61,859,830-61,859,833, AAGT deleted on the plus strand (ACTT on the coding strand, the reverse complement: BRIP1 is on the minus strand); deleting any 4 consecutive bases within chr17:61,859,830-61,859,836 gives the same sequence; the c. name uses the placement nearest the transcript's 3' end. VCF-style (leftmost placement, unchanged base first): chr17-61859829-AAAGT-A. GRCh37 (hg19) VCF-style: chr17-59937190-AAAGT-A.
Other names: short protein forms L56fs.
Identifiers: ClinVar variation 819808 (VCV000819808.15), dbSNP rs1603367673, ClinGen allele CA915950673.

ClinVar aggregate classification (germline): Pathogenic. Review status: criteria provided, multiple submitters, no conflicts (2 of 4 stars). 3 submissions from 3 submitters: Pathogenic (3). Last evaluated 2023-06-27.

Conditions:
Familial cancer of breast. Also called: Hereditary breast cancer; hereditary breast carcinoma; BREAST CANCER, FAMILIAL. Identifiers: Orphanet 227535, MedGen C0346153, MONDO:0016419, OMIM 114480. Disease mechanism: loss of function.
Fanconi anemia complementation group J. Also called: BRIP1-Related Fanconi Anemia. Identifiers: Orphanet 84, MedGen C1836860, MONDO:0012187, OMIM 609054.
Hereditary cancer-predisposing syndrome. Also called: Hereditary Cancer Syndrome; Neoplastic Syndromes, Hereditary; Hereditary neoplastic syndrome; Tumor predisposition. Identifiers: Orphanet 140162, MedGen C0027672, MeSH D009386, MONDO:0015356.

Submissions (3):

Labcorp Genetics (formerly Invitae), Labcorp
Classification: Pathogenic for Familial cancer of breast; Fanconi anemia complementation group J. Last evaluated: 2023-06-27. Review status: criteria provided, single submitter. Criteria: Invitae Variant Classification Sherloc (09022015). Collection method: clinical testing. Allele origin: germline.
Comment: For these reasons, this variant has been classified as Pathogenic. ClinVar contains an entry for this variant (Variation ID: 819808). This variant is also known as c.168_171delACTT (p.L56fs). This premature translational stop signal has been observed in individual(s) with ovarian cancer (PMID: 26315354). This variant is not present in population databases (gnomAD no frequency). This sequence change creates a premature translational stop signal (p.Leu56Phefs*5) in the BRIP1 gene. It is expected to result in an absent or disrupted protein product. Loss-of-function variants in BRIP1 are known to be pathogenic (PMID: 16116423, 17033622, 21964575).

Myriad Genetics, Inc.
Classification: Pathogenic for Familial cancer of breast. Last evaluated: 2023-05-30. Review status: criteria provided, single submitter. Criteria: Myriad Autosomal Dominant, Autosomal Recessive and X-Linked Classification Criteria (2023). Collection method: clinical testing. Allele origin: unknown.
Comment: This variant is considered pathogenic. This variant creates a frameshift predicted to result in premature protein truncation.

Ambry Genetics
Classification: Pathogenic for Hereditary cancer-predisposing syndrome. Last evaluated: 2019-07-17. Review status: criteria provided, single submitter. Criteria: Ambry Variant Classification Scheme 2023. Collection method: clinical testing. Allele origin: germline.
Comment: The c.168_171delACTT pathogenic mutation, located in coding exon 2 of the BRIP1 gene, results from a deletion of 4 nucleotides at nucleotide positions 168 to 171, causing a translational frameshift with a predicted alternate stop codon (p.L56Ffs*5). In one study, this alteration was observed in 1/3236 cases with invasive epithelial ovarian cancer and 0/3431 controls (Ramus SJ et al. J. Natl. Cancer Inst., 2015 Nov;107:). In addition to the clinical data presented in the literature, this alteration is expected to result in loss of function by premature protein truncation or nonsense-mediated mRNA decay. As such, this alteration is interpreted as a disease-causing mutation.

Literature cited by the submitters: PubMed 26315354 (cited by Labcorp Genetics (formerly Invitae), Labcorp and Ambry Genetics); PubMed 16116423 (cited by Labcorp Genetics (formerly Invitae), Labcorp); PubMed 17033622 (cited by Labcorp Genetics (formerly Invitae), Labcorp); PubMed 21964575 (cited by Labcorp Genetics (formerly Invitae), Labcorp).